The following is an entry in ClinVar:

ClinVar aggregate classification (germline): Uncertain significance. Review status: criteria provided, multiple submitters, no conflicts (2 of 4 stars). 3 submissions from 3 submitters: Uncertain significance (3). Last evaluated 2025-11-26.

Conditions:
Inborn genetic diseases. Identifiers: MedGen C0950123, MeSH D030342.

gnomAD v4.1: 54 of 1,613,944 alleles (0.0033%); highest among the groups gnomAD compares: Non-Finnish European, 0.0044%; no homozygotes.

Submissions (3):

Ambry Genetics
Classification: Uncertain significance for Inborn genetic diseases. Last evaluated: 2025-11-26. Review status: criteria provided, single submitter. Criteria: Ambry Variant Classification Scheme 2023. Collection method: clinical testing. Allele origin: germline.

Athena Diagnostics
Classification: Uncertain significance. Last evaluated: 2025-08-07. Review status: criteria provided, single submitter. Criteria: Athena Diagnostics Criteria. Collection method: clinical testing. Allele origin: unknown.
Comment: Available data are insufficient to determine the clinical significance of the variant at this time. The frequency of this variant in the general population is uninformative in assessment of its pathogenicity. Polyphen and MutationTaster predict this amino acid change may be benign.

Labcorp Genetics (formerly Invitae), Labcorp
Classification: Uncertain significance. Last evaluated: 2024-02-24. Review status: criteria provided, single submitter. Criteria: Invitae Variant Classification Sherloc (09022015). Collection method: clinical testing. Allele origin: germline.
Comment: This sequence change replaces proline, which is neutral and non-polar, with threonine, which is neutral and polar, at codon 923 of the SPTBN2 protein (p.Pro923Thr). This variant is present in population databases (no rsID available, gnomAD 0.005%). This variant has not been reported in the literature in individuals affected with SPTBN2-related conditions. ClinVar contains an entry for this variant (Variation ID: 1432557). Advanced modeling of protein sequence and biophysical properties (such as structural, functional, and spatial information, amino acid conservation, physicochemical variation, residue mobility, and thermodynamic stability) performed at Invitae indicates that this missense variant is expected to disrupt SPTBN2 protein function with a positive predictive value of 80%. In summary, the available evidence is currently insufficient to determine the role of this variant in disease. Therefore, it has been classified as a Variant of Uncertain Significance.

NM_006946.4(SPTBN2):c.2767C>A (p.Pro923Thr)

Gene: SPTBN2 (spectrin beta, non-erythrocytic 2; minus strand). Cytogenetic location: 11q13.2.
Variant type: single nucleotide variant.
Coding change: c.2767C>A on transcript NM_006946.4 (MANE Select); coding-DNA position 2767, C replaced by A.
Protein change: p.Pro923Thr; replaces proline 923 with threonine.
Molecular consequence: missense variant.
Genome position (GRCh38, 1-based): chr11:66,701,633, G>T on the plus strand (C>A on the coding strand, the complement: SPTBN2 is on the minus strand). VCF-style: chr11-66701633-G-T. GRCh37 (hg19) VCF-style: chr11-66469104-G-T.
Other names: c.2767C>A (NM_006946.2); short protein forms P923T.
Identifiers: ClinVar variation 1432557 (VCV001432557.9), dbSNP rs778457729, ClinGen allele CA381476903.
Genomic context (GRCh38, chr11:66,701,633, plus strand): 5'-CCCAAACCCACCTGTGGTTGAGCTGCTCCTGGGTGTTGACAATGCGGTCTTTGCCTGGGG[G>T]GTTGGCCTTCAGTAACTGCTCGGCAATGTCATTCACCGCGGTGATTTGTGCTGCAAGGGT-3'
Protein context (NP_008877.2, residues 913-933): DIAEQLLKAN[Pro923Thr]PGKDRIVNTQ